The following is an entry in ClinVar:

NM_001365631.1(CLASP2):c.3381A>G (p.Thr1127=)

Gene: CLASP2 (cytoplasmic linker associated protein 2; minus strand). Cytogenetic location: 3p22.3.
Variant type: single nucleotide variant.
Coding change: c.3381A>G on transcript NM_001365631.1 (MANE Select); coding-DNA position 3381, A replaced by G.
Protein change: p.Thr1127=; no amino-acid change (threonine 1127 retained).
Molecular consequence: synonymous variant.
Genome position (GRCh38, 1-based): chr3:33,543,456, T>C on the plus strand (A>G on the coding strand, the complement: CLASP2 is on the minus strand). VCF-style: chr3-33543456-T-C. GRCh37 (hg19) VCF-style: chr3-33584948-T-C.
Other names: c.2745A>G, p.Thr915= (NM_001207044.3, NM_001400424.1); c.3444A>G, p.Thr1148= (NM_001365627.1); c.3468A>G, p.Thr1156= (NM_001365628.1); c.3465A>G, p.Thr1155= (NM_001365629.1); c.3390A>G, p.Thr1130= (NM_001365630.1); c.3378A>G, p.Thr1126= (NM_001365632.1); c.3342A>G, p.Thr1114= (NM_001365633.1); c.3339A>G, p.Thr1113= (NM_001365634.1, NM_001375703.1); and 37 more.
Identifiers: ClinVar variation 3040123 (VCV003040123.2), dbSNP rs377121956, ClinGen allele CA2302265.

ClinVar aggregate classification (germline): Likely benign (0 of 4 stars; one submission).

Conditions:
CLASP2-related disorder. Also called: CLASP2-related condition.

Allele frequency attached by ClinVar (database versions not stated): TOPMed 0.00007; gnomAD 0.00017; gnomAD exomes 0.00026; ExAC 0.00055; 1000 Genomes Project 0.00060; 1000 Genomes Project 30x 0.00062.
gnomAD v4.1: 407 of 1,604,240 alleles (0.025%); highest among the groups gnomAD compares: South Asian, 0.37%; 4 homozygotes.

Submission:

PreventionGenetics, part of Exact Sciences
Classification: Likely benign for CLASP2-related condition. Last evaluated: 2019-09-19. Review status: no assertion criteria provided. Collection method: clinical testing. Allele origin: germline.
Comment: This variant is classified as likely benign based on ACMG/AMP sequence variant interpretation guidelines (Richards et al. 2015 PMID: 25741868, with internal and published modifications).